The following is an entry in ClinVar:

NM_145239.3(PRRT2):c.758G>C (p.Gly253Ala)

Genes: MVP-DT (MVP divergent transcript; minus strand), PRRT2 (proline rich transmembrane protein 2; plus strand). Cytogenetic location: 16p11.2.
Variant type: single nucleotide variant.
Coding change: c.758G>C on transcript NM_145239.3 (MANE Select); coding-DNA position 758, G replaced by C.
Protein change: p.Gly253Ala; replaces glycine 253 with alanine.
Molecular consequence: missense variant.
Genome position (GRCh38, 1-based): chr16:29,813,812, G>C. VCF-style: chr16-29813812-G-C. GRCh37 (hg19) VCF-style: chr16-29825133-G-C.
Other names: c.758G>C, p.Gly253Ala (NM_001256442.2, NM_001256443.2); short protein forms G253A.
Identifiers: ClinVar variation 3369572 (VCV003369572.1).

ClinVar aggregate classification (germline): Uncertain significance (1 of 4 stars; one submission).

Submission:

GeneDx
Classification: Uncertain significance. Last evaluated: 2024-02-23. Review status: criteria provided, single submitter. Criteria: GeneDx Variant Classification Process June 2021. Collection method: clinical testing. Allele origin: germline. Affected: yes.
Comment: Not observed at significant frequency in large population cohorts (gnomAD); In silico analysis supports that this missense variant does not alter protein structure/function; Has not been previously published as pathogenic or benign to our knowledge